The following is an entry in ClinVar:

NM_002838.5(PTPRC):c.667C>A (p.Pro223Thr)

Gene: PTPRC (protein tyrosine phosphatase receptor type C; plus strand). Cytogenetic location: 1q32.1.
Variant type: single nucleotide variant.
Coding change: c.667C>A on transcript NM_002838.5 (MANE Select); coding-DNA position 667, C replaced by A.
Protein change: p.Pro223Thr; replaces proline 223 with threonine.
Molecular consequence: missense variant.
Genome position (GRCh38, 1-based): chr1:198,704,480, C>A. VCF-style: chr1-198704480-C-A. GRCh37 (hg19) VCF-style: chr1-198673609-C-A.
Other names: c.661C>A (NM_002838.3); c.184C>A, p.Pro62Thr (NM_080921.4); short protein forms P62T, P223T.
Identifiers: ClinVar variation 960200 (VCV000960200.8), dbSNP rs199882367, ClinGen allele CA1314593.

ClinVar aggregate classification (germline): Conflicting classifications of pathogenicity. Review status: criteria provided, conflicting classifications (1 of 4 stars). 2 submissions from 2 submitters: Uncertain significance (1); Likely benign (1). Last evaluated 2023-10-27.

Conditions:
Inborn genetic diseases. Identifiers: MedGen C0950123, MeSH D030342.
Immunodeficiency 104. Also called: Severe Combined Immune Deficiency, Autosomal Recessive, TCell -Negative, B Cell-Positive, NK Cell-Positive, IL7R-Related; SCID, AUTOSOMAL RECESSIVE, T CELL-NEGATIVE, B CELL-POSITIVE, NK CELL-POSITIVE; IMMUNODEFICIENCY 104, SEVERE COMBINED; Severe combined immunodeficiency, autosomal recessive, T cell-negative, B cell-positive, NK cell-positive. Identifiers: MedGen C5676890, MONDO:0012163, OMIM 608971.

Allele frequency attached by ClinVar (database versions not stated): ExAC 0.00002; gnomAD exomes 0.00002 and 0.00003; 1000 Genomes Project 30x 0.00016; gnomAD 0.00019; 1000 Genomes Project 0.00020; TOPMed 0.00048.
gnomAD v4.1: 56 of 1,613,974 alleles (0.0035%); highest among the groups gnomAD compares: Admixed American, 0.068%; no homozygotes.

Submissions (2):

Ambry Genetics
Classification: Likely benign for Inborn genetic diseases. Last evaluated: 2023-10-27. Review status: criteria provided, single submitter. Criteria: Ambry Variant Classification Scheme 2023. Collection method: clinical testing. Allele origin: germline.

Labcorp Genetics (formerly Invitae), Labcorp
Classification: Uncertain significance for Immunodeficiency 104. Last evaluated: 2022-10-25. Review status: criteria provided, single submitter. Criteria: Invitae Variant Classification Sherloc (09022015). Collection method: clinical testing. Allele origin: germline.
Comment: This sequence change replaces proline, which is neutral and non-polar, with threonine, which is neutral and polar, at codon 223 of the PTPRC protein (p.Pro223Thr). This variant is present in population databases (rs199882367, gnomAD 0.01%). This variant has not been reported in the literature in individuals affected with PTPRC-related conditions. ClinVar contains an entry for this variant (Variation ID: 960200). Algorithms developed to predict the effect of missense changes on protein structure and function output the following: SIFT: "Tolerated"; PolyPhen-2: "Benign"; Align-GVGD: "Class C0". The threonine amino acid residue is found in multiple mammalian species, which suggests that this missense change does not adversely affect protein function. In summary, the available evidence is currently insufficient to determine the role of this variant in disease. Therefore, it has been classified as a Variant of Uncertain Significance.